The following is an entry in ClinVar:

ClinVar aggregate classification (germline): Uncertain significance. Review status: criteria provided, multiple submitters, no conflicts (2 of 4 stars). 2 submissions from 2 submitters: Uncertain significance (2). Last evaluated 2025-02-28.

Conditions:
Cardiovascular phenotype. Identifiers: MedGen CN230736.
Progressive familial heart block type IB (PFHB1B). Identifiers: Orphanet 871, MedGen C1970298, MONDO:0011474, OMIM 604559.

Allele frequency attached by ClinVar (database versions not stated): TOPMed 0.00002.
gnomAD v4.1: 3 of 1,613,946 alleles (0.00019%); highest among the groups gnomAD compares: Middle Eastern, 0.016%; no homozygotes.

Submissions (2):

Labcorp Genetics (formerly Invitae), Labcorp
Classification: Uncertain significance for Progressive familial heart block type IB. Last evaluated: 2025-02-28. Review status: criteria provided, single submitter. Criteria: Invitae Variant Classification Sherloc (09022015). Collection method: clinical testing. Allele origin: germline.
Comment: This sequence change replaces arginine, which is basic and polar, with leucine, which is neutral and non-polar, at codon 287 of the TRPM4 protein (p.Arg287Leu). This variant is present in population databases (no rsID available, gnomAD 0.0009%). This variant has not been reported in the literature in individuals affected with TRPM4-related conditions. ClinVar contains an entry for this variant (Variation ID: 518833). An algorithm developed to predict the effect of missense changes on protein structure and function (PolyPhen-2) suggests that this variant is likely to be tolerated. In summary, the available evidence is currently insufficient to determine the role of this variant in disease. Therefore, it has been classified as a Variant of Uncertain Significance.

Ambry Genetics
Classification: Uncertain significance for Cardiovascular phenotype. Last evaluated: 2025-01-22. Review status: criteria provided, single submitter. Criteria: Ambry Variant Classification Scheme 2023. Collection method: clinical testing. Allele origin: germline.

NM_017636.4(TRPM4):c.860G>T (p.Arg287Leu)

Gene: TRPM4 (transient receptor potential cation channel subfamily M member 4; plus strand). Cytogenetic location: 19q13.33.
Variant type: single nucleotide variant.
Coding change: c.860G>T on transcript NM_017636.4 (MANE Select); coding-DNA position 860, G replaced by T.
Protein change: p.Arg287Leu; replaces arginine 287 with leucine.
Molecular consequence: missense variant. On other transcripts: 5 prime UTR variant (1).
Genome position (GRCh38, 1-based): chr19:49,171,579, G>T. VCF-style: chr19-49171579-G-T. GRCh37 (hg19) VCF-style: chr19-49674836-G-T.
Other names: c.860G>T, p.Arg287Leu (NM_001195227.2); c.515G>T, p.Arg172Leu (NM_001321281.2); c.-694G>T (NM_001321282.2); c.338G>T, p.Arg113Leu (NM_001321283.2); c.11G>T, p.Arg4Leu (NM_001321285.2); short protein forms R287L, R113L, R172L, R4L.
Identifiers: ClinVar variation 518833 (VCV000518833.8), dbSNP rs200707657, ClinGen allele CA406793782.